The following is an entry in ClinVar:

ClinVar aggregate classification (germline): Uncertain significance (1 of 4 stars; one submission).

Conditions:
Hereditary sensory and autonomic neuropathy type 7. Also called: HSAN VII; Neuropathy, hereditary sensory and autonomic, type VII. Identifiers: Orphanet 391397, MedGen C3809882, MONDO:0014244, OMIM 615548.
Familial episodic pain syndrome with predominantly lower limb involvement. Also called: Episodic pain syndrome, familial, 3. Identifiers: Orphanet 391384, Orphanet 391392, MedGen C3809899, MONDO:0014247, OMIM 615552.

Allele frequency attached by ClinVar (database versions not stated): TOPMed 0.00001; 1000 Genomes Project 0.00040; ExAC 0.00002; gnomAD exomes 0.00008; gnomAD 0.00005; 1000 Genomes Project 30x 0.00031.
gnomAD v4.1: 117 of 1,614,058 alleles (0.0072%); highest among the groups gnomAD compares: East Asian, 0.26%; no homozygotes.

Submission:

Labcorp Genetics (formerly Invitae), Labcorp
Classification: Uncertain significance for Familial episodic pain syndrome with predominantly lower limb involvement; Hereditary sensory and autonomic neuropathy type 7. Last evaluated: 2025-12-21. Review status: criteria provided, single submitter. Criteria: Invitae Variant Classification Sherloc (09022015). Collection method: clinical testing. Allele origin: germline.
Comment: This sequence change replaces leucine, which is neutral and non-polar, with proline, which is neutral and non-polar, at codon 1770 of the SCN11A protein (p.Leu1770Pro). This variant is present in population databases (rs148328451, gnomAD 0.03%). This missense change has been observed in individual(s) with familial episodic pain syndrome (PMID: 38999942). ClinVar contains an entry for this variant (Variation ID: 2941732). An algorithm developed to predict the effect of missense changes on protein structure and function outputs the following: PolyPhen-2: "Benign". The proline amino acid residue is found in multiple mammalian species, which suggests that this missense change does not adversely affect protein function. In summary, the available evidence is currently insufficient to determine the role of this variant in disease. Therefore, it has been classified as a Variant of Uncertain Significance.

Literature cited by the submitters: PubMed 38999942.

NM_001349253.2(SCN11A):c.5309T>C (p.Leu1770Pro)

Gene: SCN11A (sodium voltage-gated channel alpha subunit 11; minus strand). Cytogenetic location: 3p22.2.
Variant type: single nucleotide variant.
Coding change: c.5309T>C on transcript NM_001349253.2 (MANE Select); coding-DNA position 5309, T replaced by C.
Protein change: p.Leu1770Pro; replaces leucine 1770 with proline.
Molecular consequence: missense variant.
Genome position (GRCh38, 1-based): chr3:38,846,761, A>G on the plus strand (T>C on the coding strand, the complement: SCN11A is on the minus strand). VCF-style: chr3-38846761-A-G. GRCh37 (hg19) VCF-style: chr3-38888252-A-G.
Other names: c.5309T>C, p.Leu1770Pro (NM_014139.3); short protein forms L1770P.
Identifiers: ClinVar variation 2941732 (VCV002941732.3), dbSNP rs148328451, ClinGen allele CA2321353.